The following is an entry in ClinVar:

NM_000350.3(ABCA4):c.2692G>T (p.Glu898Ter)

Gene: ABCA4 (ATP binding cassette subfamily A member 4; minus strand). Cytogenetic location: 1p22.1.
Variant type: single nucleotide variant.
Coding change: c.2692G>T on transcript NM_000350.3 (MANE Select); coding-DNA position 2692, G replaced by T.
Protein change: p.Glu898Ter; replaces glutamic acid 898 with a stop codon.
Molecular consequence: nonsense.
Genome position (GRCh38, 1-based): chr1:94,048,919, C>A on the plus strand (G>T on the coding strand, the complement: ABCA4 is on the minus strand). VCF-style: chr1-94048919-C-A. GRCh37 (hg19) VCF-style: chr1-94514475-C-A.
Other names: c.2470G>T, p.Glu824Ter (NM_001425324.1); short protein forms E898*, E824*.
Identifiers: ClinVar variation 236094 (VCV000236094.5), dbSNP rs61749441, ClinGen allele CA10602442.
Genomic context (GRCh38, chr1:94,048,919, plus strand): 5'-GGGTTTTACCGTGTATTCCTTCTGGGTGCTCTGGATCCTCCGTTTCCTCTGTTAGGGGCT[C>A]GGTCTTTTCCAGGGCTCTTTCTTCTCTGGTTGAACACCCTGCACCAATCAGAAGCCAGTG-3'

ClinVar aggregate classification (germline): Pathogenic/Likely pathogenic. Review status: criteria provided, multiple submitters, no conflicts (2 of 4 stars). 4 submissions from 3 submitters: Pathogenic (3); Likely pathogenic (1). Last evaluated 2025-06-12.

Conditions:
ABCA4-related disorder. Also called: ABCA4-related condition; ABCA4-related disorders. Identifiers: MedGen CN239167.
Retinal dystrophy. Also called: Inherited retinal dystrophy. Identifiers: Orphanet 71862, MedGen C0854723, MeSH D058499, MONDO:0019118, HP:0000556.
Severe early-childhood-onset retinal dystrophy (STGD1). Also called: Stargardt macular dystrophy; Juvenile onset macular degeneration; Stargardt disease 1; STGD; MACULAR DYSTROPHY WITH FLECKS, TYPE 1. Identifiers: Orphanet 364055, Orphanet 827, MedGen C1855465, MeSH D000080362, MONDO:0009549, OMIM 248200.

gnomAD v4.1: 1 of 1,614,082 alleles (0.000062%); highest among the groups gnomAD compares: Non-Finnish European, 0.000085%; no homozygotes.

Submissions (4):

Labcorp Genetics (formerly Invitae), Labcorp
Classification: Pathogenic. Last evaluated: 2025-06-12. Review status: criteria provided, single submitter. Criteria: Invitae Variant Classification Sherloc (09022015). Collection method: clinical testing. Allele origin: germline.
Comment: This sequence change creates a premature translational stop signal (p.Glu898*) in the ABCA4 gene. It is expected to result in an absent or disrupted protein product. Loss-of-function variants in ABCA4 are known to be pathogenic (PMID: 10958761, 24938718, 25312043, 26780318). This variant is not present in population databases (gnomAD no frequency). This premature translational stop signal has been observed in individual(s) with Stargardt disease (PMID: 28118664, 35120629). ClinVar contains an entry for this variant (Variation ID: 236094). Algorithms developed to predict the effect of sequence changes on RNA splicing suggest that this variant may disrupt the consensus splice site. For these reasons, this variant has been classified as Pathogenic.

Blueprint Genetics
Classification: Likely pathogenic for ABCA4-related disorders. Last evaluated: 2021-05-31. Review status: criteria provided, single submitter. Criteria: ACMG Guidelines, 2015. Collection method: clinical testing. Allele origin: germline. Affected: yes. Observed: 2 variant alleles.

Institute of Human Genetics, Univ. Regensburg, Univ. Regensburg
Classification: Pathogenic for Severe early-childhood-onset retinal dystrophy. Last evaluated: 2016-01-01. Review status: criteria provided, single submitter. Criteria: Schulz et al. (Invest Ophthalmol Vis Sci. 2017). Collection method: clinical testing. Allele origin: germline. Affected: yes. Observed: 1 heterozygote.

Institute of Human Genetics, Univ. Regensburg, Univ. Regensburg
Classification: Pathogenic for Retinal dystrophy. Last evaluated: 2010-01-01. Review status: criteria provided, single submitter. Criteria: ACMG Guidelines, 2015. Collection method: clinical testing. Allele origin: germline. Affected: yes.

Literature cited by the submitters: PubMed 10958761 (cited by Labcorp Genetics (formerly Invitae), Labcorp); PubMed 24938718 (cited by Labcorp Genetics (formerly Invitae), Labcorp); PubMed 25312043 (cited by Labcorp Genetics (formerly Invitae), Labcorp); PubMed 26780318 (cited by Labcorp Genetics (formerly Invitae), Labcorp); PubMed 28118664 (cited by Labcorp Genetics (formerly Invitae), Labcorp and Institute of Human Genetics, Univ. Regensburg, Univ. Regensburg); PubMed 35120629 (cited by Labcorp Genetics (formerly Invitae), Labcorp); PubMed 11702214 (cited by Institute of Human Genetics, Univ. Regensburg, Univ. Regensburg).